The following is an entry in ClinVar:

NM_000038.6(APC):c.2200C>T (p.Pro734Ser)

Gene: APC (APC regulator of Wnt signaling pathway; plus strand). Cytogenetic location: 5q22.2.
Variant type: single nucleotide variant.
Coding change: c.2200C>T on transcript NM_000038.6 (MANE Select); coding-DNA position 2200, C replaced by T.
Protein change: p.Pro734Ser; replaces proline 734 with serine.
Molecular consequence: missense variant.
Genome position (GRCh38, 1-based): chr5:112,837,794, C>T. VCF-style: chr5-112837794-C-T. GRCh37 (hg19) VCF-style: chr5-112173491-C-T.
Other names: c.2200C>T, p.Pro734Ser (NM_001127510.3, NM_001354895.2); c.2146C>T, p.Pro716Ser (NM_001127511.3); c.2254C>T, p.Pro752Ser (NM_001354896.2); c.2230C>T, p.Pro744Ser (NM_001354897.2); c.2125C>T, p.Pro709Ser (NM_001354898.2); c.2116C>T, p.Pro706Ser (NM_001354899.2); c.2077C>T, p.Pro693Ser (NM_001354900.2); c.2023C>T, p.Pro675Ser (NM_001354901.2); and 5 more; short protein forms P716S, P734S, P574S, P608S, P633S, P709S, P744S, P451S.
Identifiers: ClinVar variation 627878 (VCV000627878.16), dbSNP rs1561575432, ClinGen allele CA16026154.

ClinVar aggregate classification (germline): Uncertain significance. Review status: criteria provided, multiple submitters, no conflicts (2 of 4 stars). 3 submissions from 3 submitters: Uncertain significance (3). Last evaluated 2023-05-28.

Conditions:
Familial adenomatous polyposis 1 (FAP1). Also called: FAMILIAL ADENOMATOUS POLYPOSIS 1, ATTENUATED; POLYPOSIS, ADENOMATOUS INTESTINAL. Identifiers: MedGen C2713442, MONDO:0021056, OMIM 175100. Disease mechanism: loss of function.
Hereditary cancer-predisposing syndrome. Also called: Tumor predisposition; Hereditary Cancer Syndrome; Neoplastic Syndromes, Hereditary; Hereditary neoplastic syndrome. Identifiers: Orphanet 140162, MedGen C0027672, MeSH D009386, MONDO:0015356.

Submissions (3):

Ambry Genetics
Classification: Uncertain significance for Hereditary cancer-predisposing syndrome. Last evaluated: 2023-05-28. Review status: criteria provided, single submitter. Criteria: Ambry Variant Classification Scheme 2023. Collection method: clinical testing. Allele origin: germline.
Comment: The p.P734S variant (also known as c.2200C>T), located in coding exon 15 of the APC gene, results from a C to T substitution at nucleotide position 2200. The proline at codon 734 is replaced by serine, an amino acid with similar properties. This amino acid position is highly conserved in available vertebrate species. In addition, in silico predictors for this gene do not accurately predict pathogenicity. Since supporting evidence is limited at this time, the clinical significance of this alteration remains unclear.

Labcorp Genetics (formerly Invitae), Labcorp
Classification: Uncertain significance for Familial adenomatous polyposis 1. Last evaluated: 2022-08-16. Review status: criteria provided, single submitter. Criteria: Invitae Variant Classification Sherloc (09022015). Collection method: clinical testing. Allele origin: germline.
Comment: ClinVar contains an entry for this variant (Variation ID: 627878). Algorithms developed to predict the effect of missense changes on protein structure and function (SIFT, PolyPhen-2, Align-GVGD) all suggest that this variant is likely to be disruptive. RNA analysis performed to evaluate the impact of this missense change on mRNA splicing indicates it does not significantly alter splicing (Invitae). In summary, the available evidence is currently insufficient to determine the role of this variant in disease. Therefore, it has been classified as a Variant of Uncertain Significance. This variant has not been reported in the literature in individuals affected with APC-related conditions. This sequence change replaces proline, which is neutral and non-polar, with serine, which is neutral and polar, at codon 734 of the APC protein (p.Pro734Ser). This variant is not present in population databases (gnomAD no frequency).

Color Diagnostics, LLC DBA Color Health
Classification: Uncertain significance for Hereditary cancer-predisposing syndrome. Last evaluated: 2019-03-16. Review status: criteria provided, single submitter. Criteria: ACMG Guidelines, 2015. Collection method: clinical testing. Allele origin: germline.